The following is an entry in ClinVar:

ClinVar aggregate classification (germline): Uncertain significance (1 of 4 stars; one submission).

Conditions:
Neurofibromatosis, type 1 (NF1). Also called: Peripheral type neurofibromatosis; VON RECKLINGHAUSEN DISEASE; Neurofibromatosis, type I; NEUROFIBROMATOSIS, TYPE I, SOMATIC. Identifiers: Orphanet 636, MedGen C0027831, MONDO:0018975, OMIM 162200. Disease mechanism: loss of function.

Submission:

Labcorp Genetics (formerly Invitae), Labcorp
Classification: Uncertain significance for Neurofibromatosis, type 1. Last evaluated: 2020-08-21. Review status: criteria provided, single submitter. Criteria: Invitae Variant Classification Sherloc (09022015). Collection method: clinical testing. Allele origin: germline.
Comment: This sequence change replaces serine with alanine at codon 1738 of the NF1 protein (p.Ser1738Ala). The serine residue is moderately conserved and there is a moderate physicochemical difference between serine and alanine. This variant is not present in population databases (ExAC no frequency). This variant has not been reported in the literature in individuals with NF1-related conditions. Algorithms developed to predict the effect of missense changes on protein structure and function are either unavailable or do not agree on the potential impact of this missense change (SIFT: "Tolerated"; PolyPhen-2: "Possibly Damaging"; Align-GVGD: "Class C0"). In summary, the available evidence is currently insufficient to determine the role of this variant in disease. Therefore, it has been classified as a Variant of Uncertain Significance.

NM_001042492.3(NF1):c.5275T>G (p.Ser1759Ala)

Gene: NF1 (neurofibromin 1; plus strand). Cytogenetic location: 17q11.2.
Variant type: single nucleotide variant.
Coding change: c.5275T>G on transcript NM_001042492.3 (MANE Select); coding-DNA position 5275, T replaced by G.
Protein change: p.Ser1759Ala; replaces serine 1759 with alanine.
Molecular consequence: missense variant.
Genome position (GRCh38, 1-based): chr17:31,327,505, T>G. VCF-style: chr17-31327505-T-G. GRCh37 (hg19) VCF-style: chr17-29654523-T-G.
Other names: c.5212T>G, p.Ser1738Ala (NM_000267.4); short protein forms S1738A, S1759A.
Identifiers: ClinVar variation 843694 (VCV000843694.6), dbSNP rs2069375050, ClinGen allele CA399008893.
Genomic context (GRCh38, chr17:31,327,505, plus strand): 5'-TATGTAAAAGAGTTTAATTCTTCTCCACTTCACCCCGTCACCACCACTTTCCAGGTTGGT[T>G]CTACTGCTGTCCAAGTAACTTCAGCAGAGCGAACAAAAGTCCTAGGGCAATCAGTCTTTC-3'
Protein context (NP_001035957.1, residues 1749-1769): KDTKVSIKVG[Ser1759Ala]TAVQVTSAER